The following is an entry in ClinVar:

ClinVar aggregate classification (germline): Uncertain significance (1 of 4 stars; one submission).

gnomAD v4.1: 2 of 1,614,202 alleles (0.00012%); no homozygotes.

Submission:

Labcorp Genetics (formerly Invitae), Labcorp
Classification: Uncertain significance. Last evaluated: 2024-06-21. Review status: criteria provided, single submitter. Criteria: Invitae Variant Classification Sherloc (09022015). Collection method: clinical testing. Allele origin: germline.
Comment: This sequence change replaces valine, which is neutral and non-polar, with phenylalanine, which is neutral and non-polar, at codon 200 of the EMC1 protein (p.Val200Phe). This variant is not present in population databases (gnomAD no frequency). This variant has not been reported in the literature in individuals affected with EMC1-related conditions. Advanced modeling of protein sequence and biophysical properties (such as structural, functional, and spatial information, amino acid conservation, physicochemical variation, residue mobility, and thermodynamic stability) performed at Invitae indicates that this missense variant is not expected to disrupt EMC1 protein function with a negative predictive value of 80%. In summary, the available evidence is currently insufficient to determine the role of this variant in disease. Therefore, it has been classified as a Variant of Uncertain Significance.

NM_015047.3(EMC1):c.598G>T (p.Val200Phe)

Gene: EMC1 (ER membrane protein complex subunit 1; minus strand). Cytogenetic location: 1p36.13.
Variant type: single nucleotide variant.
Coding change: c.598G>T on transcript NM_015047.3 (MANE Select); coding-DNA position 598, G replaced by T.
Protein change: p.Val200Phe; replaces valine 200 with phenylalanine.
Molecular consequence: missense variant.
Genome position (GRCh38, 1-based): chr1:19,241,054, C>A on the plus strand (G>T on the coding strand, the complement: EMC1 is on the minus strand). VCF-style: chr1-19241054-C-A. GRCh37 (hg19) VCF-style: chr1-19567548-C-A.
Other names: c.598G>T, p.Val200Phe (NM_001271427.2, NM_001271428.2, NM_001375820.1 and 1 more transcripts); c.532G>T, p.Val178Phe (NM_001271429.2); short protein forms V178F, V200F.
Identifiers: ClinVar variation 3672975 (VCV003672975.2).
Genomic context (GRCh38, chr1:19,241,054, plus strand): 5'-GGCTCCTGTCACCCTCCTGTACCTGCTGAACAATCTCTCCATCTTCCACATTAAACTTGA[C>A]AATGTTCACATGGCTGAAGGGAACAACTCCGAGGGCCCACACCACCCCAGAGCCGTAAGA-3'
Protein context (NP_055862.1, residues 190-210): GVVPFSHVNI[Val200Phe]KFNVEDGEIV